The following is an entry in ClinVar:

NM_022124.6(CDH23):c.4987G>A (p.Asp1663Asn)

Gene: CDH23 (cadherin related 23; plus strand). Cytogenetic location: 10q22.1.
Variant type: single nucleotide variant.
Coding change: c.4987G>A on transcript NM_022124.6 (MANE Select); coding-DNA position 4987, G replaced by A.
Protein change: p.Asp1663Asn; replaces aspartic acid 1663 with asparagine.
Molecular consequence: missense variant.
Genome position (GRCh38, 1-based): chr10:71,777,821, G>A. VCF-style: chr10-71777821-G-A. GRCh37 (hg19) VCF-style: chr10-73537578-G-A.
Other names: c.4987G>A (NM_022124.5); short protein forms D1663N.
Identifiers: ClinVar variation 1911829 (VCV001911829.3), dbSNP rs1314659447, ClinGen allele CA377140307.

ClinVar aggregate classification (germline): Uncertain significance. Review status: criteria provided, multiple submitters, no conflicts (2 of 4 stars). 2 submissions from 2 submitters: Uncertain significance (2). Last evaluated 2024-06-17.

Allele frequency attached by ClinVar (database versions not stated): gnomAD exomes below 0.00001; TOPMed below 0.00001; gnomAD 0.00001.
gnomAD v4.1: 2 of 1,613,834 alleles (0.00012%); highest among the groups gnomAD compares: Admixed American, 0.0017%; no homozygotes.

Submissions (2):

GeneDx
Classification: Uncertain significance. Last evaluated: 2024-06-17. Review status: criteria provided, single submitter. Criteria: GeneDx Variant Classification Process June 2021. Collection method: clinical testing. Allele origin: germline. Affected: yes.
Comment: Not observed at significant frequency in large population cohorts (gnomAD); In silico analysis supports that this missense variant has a deleterious effect on protein structure/function; Has not been previously published as pathogenic or benign to our knowledge

Labcorp Genetics (formerly Invitae), Labcorp
Classification: Uncertain significance. Last evaluated: 2022-08-21. Review status: criteria provided, single submitter. Criteria: Invitae Variant Classification Sherloc (09022015). Collection method: clinical testing. Allele origin: germline.
Comment: This sequence change replaces aspartic acid, which is acidic and polar, with asparagine, which is neutral and polar, at codon 1663 of the CDH23 protein (p.Asp1663Asn). This variant is present in population databases (no rsID available, gnomAD 0.003%). This variant has not been reported in the literature in individuals affected with CDH23-related conditions. Algorithms developed to predict the effect of missense changes on protein structure and function are either unavailable or do not agree on the potential impact of this missense change (SIFT: "Deleterious"; PolyPhen-2: "Not Available"; Align-GVGD: "Class C15"). This variant disrupts the p.Asp1663 amino acid residue in CDH23. Other variant(s) that disrupt this residue have been observed in individuals with CDH23-related conditions (Invitae; SOURCE: 25231367), which suggests that this may be a clinically significant amino acid residue. In summary, the available evidence is currently insufficient to determine the role of this variant in disease. Therefore, it has been classified as a Variant of Uncertain Significance.